The following is an entry in ClinVar:

ClinVar aggregate classification (germline): Uncertain significance (1 of 4 stars; one submission).

Conditions:
Inborn genetic diseases. Identifiers: MedGen C0950123, MeSH D030342.

gnomAD v4.1: 4 of 1,613,704 alleles (0.00025%); highest among the groups gnomAD compares: Non-Finnish European, 0.00034%; no homozygotes.

Submission:

Ambry Genetics
Classification: Uncertain significance for Inborn genetic diseases. Last evaluated: 2026-02-24. Review status: criteria provided, single submitter. Criteria: Ambry Variant Classification Scheme 2023. Collection method: clinical testing. Allele origin: germline.
Comment: The p.L797I variant (also known as c.2389C>A), located in coding exon 1 of the SAMD9 gene, results from a C to A substitution at nucleotide position 2389. The leucine at codon 797 is replaced by isoleucine, an amino acid with highly similar properties. This amino acid position is conserved. In addition, the in silico prediction for this alteration is inconclusive. Based on the available evidence, the clinical significance of this variant remains unclear.

NM_017654.4(SAMD9):c.2389C>A (p.Leu797Ile)

Gene: SAMD9 (sterile alpha motif domain containing 9; minus strand). Cytogenetic location: 7q21.2.
Variant type: single nucleotide variant.
Coding change: c.2389C>A on transcript NM_017654.4 (MANE Select); coding-DNA position 2389, C replaced by A.
Protein change: p.Leu797Ile; replaces leucine 797 with isoleucine.
Molecular consequence: missense variant.
Genome position (GRCh38, 1-based): chr7:93,103,709, G>T on the plus strand (C>A on the coding strand, the complement: SAMD9 is on the minus strand). VCF-style: chr7-93103709-G-T. GRCh37 (hg19) VCF-style: chr7-92733022-G-T.
Other names: c.2389C>A, p.Leu797Ile (NM_001193307.2); short protein forms L797I.
Identifiers: ClinVar variation 4826997 (VCV004826997.1).